The following is an entry in ClinVar:

NM_024675.4(PALB2):c.1645C>T (p.His549Tyr)

Gene: PALB2 (partner and localizer of BRCA2; minus strand). Cytogenetic location: 16p12.2.
Variant type: single nucleotide variant.
Coding change: c.1645C>T on transcript NM_024675.4 (MANE Select); coding-DNA position 1645, C replaced by T.
Protein change: p.His549Tyr; replaces histidine 549 with tyrosine.
Molecular consequence: missense variant.
Genome position (GRCh38, 1-based): chr16:23,634,901, G>A on the plus strand (C>T on the coding strand, the complement: PALB2 is on the minus strand). VCF-style: chr16-23634901-G-A. GRCh37 (hg19) VCF-style: chr16-23646222-G-A.
Other names: short protein forms H549Y.
Identifiers: ClinVar variation 1009616 (VCV001009616.9), dbSNP rs1966950582, ClinGen allele CA395130156.

ClinVar aggregate classification (germline): Uncertain significance (1 of 4 stars; one submission).

Conditions:
Familial cancer of breast. Also called: BREAST CANCER, FAMILIAL; Hereditary breast cancer; hereditary breast carcinoma. Identifiers: Orphanet 227535, MedGen C0346153, MONDO:0016419, OMIM 114480. Disease mechanism: loss of function.

Submission:

Labcorp Genetics (formerly Invitae), Labcorp
Classification: Uncertain significance for Familial cancer of breast. Last evaluated: 2020-02-01. Review status: criteria provided, single submitter. Criteria: Invitae Variant Classification Sherloc (09022015). Collection method: clinical testing. Allele origin: germline.
Comment: This sequence change replaces histidine with tyrosine at codon 549 of the PALB2 protein (p.His549Tyr). The histidine residue is moderately conserved and there is a moderate physicochemical difference between histidine and tyrosine. This variant is not present in population databases (ExAC no frequency). This variant has not been reported in the literature in individuals with PALB2-related conditions. Algorithms developed to predict the effect of missense changes on protein structure and function output the following: SIFT: "Tolerated"; PolyPhen-2: "Benign"; Align-GVGD: "Class C0". The tyrosine amino acid residue is found in multiple mammalian species, suggesting that this missense change does not adversely affect protein function. These predictions have not been confirmed by published functional studies and their clinical significance is uncertain. In summary, the available evidence is currently insufficient to determine the role of this variant in disease. Therefore, it has been classified as a Variant of Uncertain Significance.